The following is an entry in ClinVar:

NM_020975.6(RET):c.2051C>G (p.Pro684Arg)

Gene: RET (ret proto-oncogene; plus strand). Cytogenetic location: 10q11.21.
Variant type: single nucleotide variant.
Coding change: c.2051C>G on transcript NM_020975.6 (MANE Select); coding-DNA position 2051, C replaced by G.
Protein change: p.Pro684Arg; replaces proline 684 with arginine.
Molecular consequence: missense variant.
Genome position (GRCh38, 1-based): chr10:43,114,651, C>G. VCF-style: chr10-43114651-C-G. GRCh37 (hg19) VCF-style: chr10-43610099-C-G.
Other names: c.2051C>G, p.Pro684Arg (NM_000323.2, NM_001406743.1, NM_001406744.1 and 4 more transcripts); c.1289C>G, p.Pro430Arg (NM_001355216.2); c.1922C>G, p.Pro641Arg (NM_001406761.1, NM_001406762.1, NM_001406764.1); c.1916C>G, p.Pro639Arg (NM_001406763.1, NM_001406765.1); c.1763C>G, p.Pro588Arg (NM_001406766.1, NM_001406767.1, NM_001406770.1); c.1787C>G, p.Pro596Arg (NM_001406768.1); c.1655C>G, p.Pro552Arg (NM_001406769.1, NM_001406772.1); c.1613C>G, p.Pro538Arg (NM_001406771.1, NM_001406773.1); and 10 more; short protein forms P201R, P249R, P289R, P340R, P342R, P345R, P354R, P385R.
Identifiers: ClinVar variation 3227520 (VCV003227520.2), dbSNP rs760088950, ClinGen allele CA376553214.
Genomic context (GRCh38, chr10:43,114,651, plus strand): 5'-CCCACAAGCCACCCATCTCCTCAGCTGAGATGACCTTCCGGAGGCCCGCCCAGGCCTTCC[C>G]GGTCAGCTACTCCTCTTCCGGTGCCCGCCGGCCCTCGCTGGACTCCATGGAGAACCAGGT-3'
Protein context (NP_066124.1, residues 674-694): MTFRRPAQAF[Pro684Arg]VSYSSSGARR

ClinVar aggregate classification (germline): Uncertain significance (1 of 4 stars; one submission).

Conditions:
Hereditary cancer-predisposing syndrome. Also called: Neoplastic Syndromes, Hereditary; Tumor predisposition; Hereditary neoplastic syndrome; Hereditary Cancer Syndrome. Identifiers: Orphanet 140162, MedGen C0027672, MeSH D009386, MONDO:0015356.

gnomAD v4.1: 2 of 1,613,008 alleles (0.00012%); highest among the groups gnomAD compares: African/African-American, 0.0013%; no homozygotes.

Submission:

Ambry Genetics
Classification: Uncertain significance for Hereditary cancer-predisposing syndrome. Last evaluated: 2025-12-11. Review status: criteria provided, single submitter. Criteria: Ambry Variant Classification Scheme 2023. Collection method: clinical testing. Allele origin: germline.
Comment: The p.P684R variant (also known as c.2051C>G), located in coding exon 11 of the RET gene, results from a C to G substitution at nucleotide position 2051. The proline at codon 684 is replaced by arginine, an amino acid with dissimilar properties. This variant was reported in individual(s) with features consistent with multiple endocrine neoplasia type 2 (Ambry internal data). This amino acid position is highly conserved in available vertebrate species. In addition, this alteration is predicted to be deleterious by in silico analysis. Based on the available evidence, the clinical significance of this alteration remains unclear.

Literature cited by the submitters: PubMed 31308072.